The following is an entry in ClinVar:

NM_005228.5(EGFR):c.3325_3328del (p.Val1109fs)

Gene: EGFR (epidermal growth factor receptor; plus strand). Cytogenetic location: 7p11.2.
Variant type: Deletion.
Coding change: c.3325_3328del on transcript NM_005228.5 (MANE Select); coding-DNA positions 3325 to 3328, 4 bases deleted (GTCT; older notation c.3325_3328delGTCT).
Protein change: p.Val1109fs; shifts the reading frame from valine 1109.
Molecular consequence: frameshift variant.
Genome position (GRCh38, 1-based): chr7:55,205,309-55,205,312, GTCT deleted; deleting any 4 consecutive bases within chr7:55,205,307-55,205,312 gives the same sequence; the c. name uses the placement nearest the transcript's 3' end. VCF-style (leftmost placement, unchanged base first): chr7-55205306-CCTGT-C. GRCh37 (hg19) VCF-style: chr7-55272999-CCTGT-C.
Other names: c.3190_3193del, p.Val1064fs (NM_001346899.2); c.3166_3169del, p.Val1056fs (NM_001346900.2); c.2524_2527del, p.Val842fs (NM_001346941.2); short protein forms V1109fs, V1064fs, V1056fs, V842fs.
Identifiers: ClinVar variation 2088522 (VCV002088522.4), dbSNP rs1788063937, ClinGen allele CA1101543549.

ClinVar aggregate classification (germline): Uncertain significance (1 of 4 stars; one submission).

Conditions:
EGFR-related lung cancer (EGFR). Identifiers: MedGen CN130014.

Submission:

Labcorp Genetics (formerly Invitae), Labcorp
Classification: Uncertain significance for EGFR-related lung cancer. Last evaluated: 2022-06-16. Review status: criteria provided, single submitter. Criteria: Invitae Variant Classification Sherloc (09022015). Collection method: clinical testing. Allele origin: germline.
Comment: This sequence change creates a premature translational stop signal (p.Val1109Ilefs*6) in the EGFR gene. While this is not anticipated to result in nonsense mediated decay, it is expected to disrupt the last 102 amino acid(s) of the EGFR protein. This variant is not present in population databases (gnomAD no frequency). This variant has not been reported in the literature in individuals affected with EGFR-related conditions. Experimental studies and prediction algorithms are not available or were not evaluated, and the functional significance of this variant is currently unknown. In summary, the available evidence is currently insufficient to determine the role of this variant in disease. Therefore, it has been classified as a Variant of Uncertain Significance.